The following is an entry in ClinVar:

ClinVar aggregate classification (germline): Benign/Likely benign. Review status: criteria provided, multiple submitters, no conflicts (2 of 4 stars). 3 submissions from 3 submitters: Benign (2); Likely benign (1). Last evaluated 2021-07-15.

Conditions:
Dyskeratosis congenita. Identifiers: Orphanet 1775, MedGen C0265965, MONDO:0015780.
Cerebroretinal microangiopathy with calcifications and cysts 1 (CRMCC1). Identifiers: Orphanet 313838, MedGen C4552029, MONDO:0024564, OMIM 612199.

Allele frequency attached by ClinVar (database versions not stated): 1000 Genomes Project 0.00539; 1000 Genomes Project 30x 0.00562; TOPMed 0.01176; ESP Exome Variant Server 0.01306; gnomAD 0.01491 and 0.01554; gnomAD exomes 0.01803; ExAC 0.01954.
gnomAD v4.1: 28,813 of 1,598,724 alleles (1.8%); highest among the groups gnomAD compares: Non-Finnish European, 2%; 344 homozygotes.

Submissions (3):

Genome-Nilou Lab
Classification: Benign for Cerebroretinal microangiopathy with calcifications and cysts 1. Last evaluated: 2021-07-15. Review status: criteria provided, single submitter. Criteria: ACMG Guidelines, 2015. Collection method: clinical testing. Allele origin: germline. Affected: no.

GeneDx
Classification: Likely benign. Last evaluated: 2019-03-24. Review status: criteria provided, single submitter. Criteria: GeneDx Variant Classification Process June 2021. Collection method: clinical testing. Allele origin: germline. Affected: yes.

Illumina Laboratory Services, Illumina
Classification: Benign for Dyskeratosis congenita. Last evaluated: 2018-01-13. Review status: criteria provided, single submitter. Criteria: ICSL Variant Classification Criteria 13 December 2019. Collection method: clinical testing. Allele origin: germline.
Comment: This variant was observed in the ICSL laboratory as part of a predisposition screen in an ostensibly healthy population. It had not been previously curated by ICSL or reported in the Human Gene Mutation Database (HGMD: prior to June 1st, 2018), and was therefore a candidate for classification through an automated scoring system. Utilizing variant allele frequency, disease prevalence and penetrance estimates, and inheritance mode, an automated score was calculated to assess if this variant is too frequent to cause the disease. Based on the score and internal cut-off values, a variant classified as benign is not then subjected to further curation. The score for this variant resulted in a classification of benign for this disease.

NM_025099.6(CTC1):c.*43C>T

Gene: CTC1 (CST telomere replication complex component 1; minus strand). Cytogenetic location: 17p13.1.
Variant type: single nucleotide variant.
Coding change: c.*43C>T on transcript NM_025099.6 (MANE Select); 43 bases downstream of the stop codon, C replaced by T.
Molecular consequence: 3 prime UTR variant. On other transcripts: non-coding transcript variant (1).
Genome position (GRCh38, 1-based): chr17:8,228,137, G>A on the plus strand (C>T on the coding strand, the complement: CTC1 is on the minus strand). VCF-style: chr17-8228137-G-A. GRCh37 (hg19) VCF-style: chr17-8131455-G-A.
Identifiers: ClinVar variation 326062 (VCV000326062.10), dbSNP rs3027245, ClinGen allele CA8371685.